The following is an entry in ClinVar:

NM_058216.3(RAD51C):c.59C>T (p.Ser20Phe)

Gene: RAD51C (RAD51 paralog C; plus strand). Cytogenetic location: 17q22.
Variant type: single nucleotide variant.
Coding change: c.59C>T on transcript NM_058216.3 (MANE Select); coding-DNA position 59, C replaced by T.
Protein change: p.Ser20Phe; replaces serine 20 with phenylalanine.
Molecular consequence: missense variant. On other transcripts: non-coding transcript variant (1).
Genome position (GRCh38, 1-based): chr17:58,692,702, C>T. VCF-style: chr17-58692702-C-T. GRCh37 (hg19) VCF-style: chr17-56770063-C-T.
Other names: c.59C>T, p.Ser20Phe (NM_002876.4); short protein forms S20F.
Identifiers: ClinVar variation 538775 (VCV000538775.17), dbSNP rs786203944, ClinGen allele CA400336751.
Genomic context (GRCh38, chr17:58,692,702, plus strand): 5'-CGATGCGCGGGAAGACGTTCCGCTTTGAAATGCAGCGGGATTTGGTGAGTTTCCCGCTGT[C>T]TCCAGCGGTGCGGGTGAAGCTGGTGTCTGCGGGGTTCCAGACTGCTGAGGAACTCCTAGA-3'
Protein context (NP_478123.1, residues 10-30): MQRDLVSFPL[Ser20Phe]PAVRVKLVSA

ClinVar aggregate classification (germline): Uncertain significance. Review status: criteria provided, multiple submitters, no conflicts (2 of 4 stars). 5 submissions from 5 submitters: Uncertain significance (5). Last evaluated 2025-11-08.

Conditions:
Hereditary cancer-predisposing syndrome. Also called: Neoplastic Syndromes, Hereditary; Tumor predisposition; Hereditary Cancer Syndrome; Hereditary neoplastic syndrome. Identifiers: Orphanet 140162, MedGen C0027672, MeSH D009386, MONDO:0015356.
Fanconi anemia complementation group O. Also called: RAD51C-Related Fanconi Anemia. Identifiers: Orphanet 84, MedGen C3150653, MONDO:0013248, OMIM 613390.

Allele frequency attached by ClinVar (database versions not stated): gnomAD exomes below 0.00001; TOPMed below 0.00001.
gnomAD v4.1: 6 of 1,614,242 alleles (0.00037%); highest among the groups gnomAD compares: Admixed American, 0.0017%; no homozygotes.

Submissions (5):

Ambry Genetics
Classification: Uncertain significance for Hereditary cancer-predisposing syndrome. Last evaluated: 2025-11-08. Review status: criteria provided, single submitter. Criteria: Ambry Variant Classification Scheme 2023. Collection method: clinical testing. Allele origin: germline.
Comment: The p.S20F variant (also known as c.59C>T), located in coding exon 1 of the RAD51C gene, results from a C to T substitution at nucleotide position 59. The serine at codon 20 is replaced by phenylalanine, an amino acid with highly dissimilar properties. This amino acid position is not well conserved in available vertebrate species. In addition, this alteration is predicted to be tolerated by in silico analysis. Since supporting evidence is limited at this time, the clinical significance of this alteration remains unclear.

Labcorp Genetics (formerly Invitae), Labcorp
Classification: Uncertain significance for Fanconi anemia complementation group O. Last evaluated: 2025-07-17. Review status: criteria provided, single submitter. Criteria: Invitae Variant Classification Sherloc (09022015). Collection method: clinical testing. Allele origin: germline.
Comment: This sequence change replaces serine, which is neutral and polar, with phenylalanine, which is neutral and non-polar, at codon 20 of the RAD51C protein (p.Ser20Phe). This variant is present in population databases (no rsID available, gnomAD 0.003%). This variant has not been reported in the literature in individuals affected with RAD51C-related conditions. ClinVar contains an entry for this variant (Variation ID: 538775). Invitae Evidence Modeling of protein sequence and biophysical properties (such as structural, functional, and spatial information, amino acid conservation, physicochemical variation, residue mobility, and thermodynamic stability) indicates that this missense variant is not expected to disrupt RAD51C protein function with a negative predictive value of 80%. In summary, the available evidence is currently insufficient to determine the role of this variant in disease. Therefore, it has been classified as a Variant of Uncertain Significance.

Molecular Diagnostics Laboratory, Catalan Institute of Oncology
Classification: Uncertain significance for Hereditary cancer-predisposing syndrome. Last evaluated: 2024-10-21. Review status: criteria provided, single submitter. Criteria: ACMG Guidelines, 2015. Collection method: clinical testing. Allele origin: germline.
Comment: PM2_Supporting, BP4_Moderate c.59C>T , located in exon 1 of the RAD51C gene, is a missense variant predicted to result in a substitution of serine by phenylalanine in codon 20, p.(Ser20Phe). This variant is found in 1/268345 alleles at a frequency of 0.000372% in the gnomAD v2.1.1 database, non-cancer dataset (PM2_supporting). The SpliceAI algorithm predicts no significant impact on splicing. The REVEL meta-predictor score for this variant (0.162) suggests that it does not affect the protein function according Pejaver 2022 thresholds (PMID: 36413997) (BP4). The variant has been identified in the ClinVar** database (3x, as uncertain significance) but it is not present in the LOVD database. Based on currently available information, the variant c.59C>T should be considered as of unknown significance.

GeneDx
Classification: Uncertain significance. Last evaluated: 2023-11-21. Review status: criteria provided, single submitter. Criteria: GeneDx Variant Classification Process June 2021. Collection method: clinical testing. Allele origin: germline. Affected: yes.
Comment: Not observed at significant frequency in large population cohorts (gnomAD); In silico analysis supports that this missense variant has a deleterious effect on protein structure/function; Has not been previously published as pathogenic or benign to our knowledge

Color Diagnostics, LLC DBA Color Health
Classification: Uncertain significance for Hereditary cancer-predisposing syndrome. Last evaluated: 2023-10-30. Review status: criteria provided, single submitter. Criteria: ACMG Guidelines, 2015. Collection method: clinical testing. Allele origin: germline.
Comment: This missense variant replaces serine with phenylalanine at codon 20 of the RAD51C protein. Computational prediction suggests that this variant may not impact protein structure and function (internally defined REVEL score threshold <= 0.5, PMID: 27666373). To our knowledge, functional studies have not been reported for this variant. This variant has not been reported in individuals affected with RAD51C-related disorders in the literature. This variant has been identified in 1/251470 chromosomes in the general population by the Genome Aggregation Database (gnomAD). The available evidence is insufficient to determine the role of this variant in disease conclusively. Therefore, this variant is classified as a Variant of Uncertain Significance.